The following is an entry in ClinVar:

ClinVar aggregate classification (germline): Likely benign. Review status: criteria provided, multiple submitters, no conflicts (2 of 4 stars). 3 submissions from 3 submitters: Likely benign (2). 1 of the submissions does not count toward it. Last evaluated 2025-10-08.

Conditions:
MACF1-related disorder. Also called: MACF1-related condition.

gnomAD v4.1: 40 of 1,614,026 alleles (0.0025%); highest among the groups gnomAD compares: Middle Eastern, 0.016%; no homozygotes.

Submissions (3):

Labcorp Genetics (formerly Invitae), Labcorp
Classification: Likely benign. Last evaluated: 2025-10-08. Review status: criteria provided, single submitter. Criteria: Invitae Variant Classification Sherloc (09022015). Collection method: clinical testing. Allele origin: germline.

Blueprint Genetics
Classification: Likely benign. Last evaluated: 2024-11-19. Review status: criteria provided, single submitter. Criteria: ACMG Guidelines, 2015. Collection method: clinical testing. Allele origin: germline.

PreventionGenetics, part of Exact Sciences
Classification: Likely benign for MACF1-related condition. Last evaluated: 2024-01-08. Review status: no assertion criteria provided. Collection method: clinical testing. Allele origin: germline. Not counted in ClinVar's aggregate classification.
Comment: This variant is classified as likely benign based on ACMG/AMP sequence variant interpretation guidelines (Richards et al. 2015 PMID: 25741868, with internal and published modifications).

NM_001394062.1(MACF1):c.20974C>T (p.Leu6992=)

Gene: MACF1 (microtubule actin crosslinking factor 1; plus strand). Cytogenetic location: 1p34.3.
Variant type: single nucleotide variant.
Coding change: c.20974C>T on transcript NM_001394062.1 (MANE Select); coding-DNA position 20974, C replaced by T.
Protein change: p.Leu6992=; no amino-acid change (leucine 6992 retained).
Molecular consequence: synonymous variant.
Genome position (GRCh38, 1-based): chr1:39,454,996, C>T. VCF-style: chr1-39454996-C-T. GRCh37 (hg19) VCF-style: chr1-39920668-C-T.
Other names: c.9052C>T, p.Leu3018= (NM_001397473.1); c.14797C>T, p.Leu4933= (NM_012090.5).
Identifiers: ClinVar variation 3353126 (VCV003353126.3).